The following is an entry in ClinVar:

NM_004438.5(EPHA4):c.1269C>A (p.Asn423Lys)

Gene: EPHA4 (EPH receptor A4; minus strand). Cytogenetic location: 2q36.1.
Variant type: single nucleotide variant.
Coding change: c.1269C>A on transcript NM_004438.5 (MANE Select); coding-DNA position 1269, C replaced by A.
Protein change: p.Asn423Lys; replaces asparagine 423 with lysine.
Molecular consequence: missense variant.
Genome position (GRCh38, 1-based): chr2:221,482,401, G>T on the plus strand (C>A on the coding strand, the complement: EPHA4 is on the minus strand). VCF-style: chr2-221482401-G-T. GRCh37 (hg19) VCF-style: chr2-222347121-G-T.
Other names: c.1269C>A, p.Asn423Lys (NM_001304536.2, NM_001363748.2); c.1116C>A, p.Asn372Lys (NM_001304537.2); short protein forms N372K, N423K.
Identifiers: ClinVar variation 2651940 (VCV002651940.26), dbSNP rs752325084, ClinGen allele CA2135101.

ClinVar aggregate classification (germline): Uncertain significance. Review status: criteria provided, multiple submitters, no conflicts (2 of 4 stars). 2 submissions from 2 submitters: Uncertain significance (2). Last evaluated 2024-07-15.

Allele frequency attached by ClinVar (database versions not stated): ExAC 0.00001.
gnomAD v4.1: 62 of 1,613,942 alleles (0.0038%); highest among the groups gnomAD compares: Middle Eastern, 0.099%; no homozygotes.

Submissions (2):

Labcorp Genetics (formerly Invitae), Labcorp
Classification: Uncertain significance. Last evaluated: 2024-07-15. Review status: criteria provided, single submitter. Criteria: Invitae Variant Classification Sherloc (09022015). Collection method: clinical testing. Allele origin: germline.
Comment: This sequence change replaces asparagine, which is neutral and polar, with lysine, which is basic and polar, at codon 423 of the EPHA4 protein (p.Asn423Lys). This variant is present in population databases (rs752325084, gnomAD 0.004%). This variant has not been reported in the literature in individuals affected with EPHA4-related conditions. ClinVar contains an entry for this variant (Variation ID: 2651940). Advanced modeling of protein sequence and biophysical properties (such as structural, functional, and spatial information, amino acid conservation, physicochemical variation, residue mobility, and thermodynamic stability) performed at Invitae indicates that this missense variant is not expected to disrupt EPHA4 protein function with a negative predictive value of 80%. In summary, the available evidence is currently insufficient to determine the role of this variant in disease. Therefore, it has been classified as a Variant of Uncertain Significance.

CeGaT Center for Human Genetics Tuebingen
Classification: Uncertain significance. Last evaluated: 2023-07-01. Review status: criteria provided, single submitter. Criteria: CeGaT Center For Human Genetics Tuebingen Variant Classification Criteria Version 2. Collection method: clinical testing. Allele origin: germline. Affected: yes. Observed: 1 variant allele.